The following is an entry in ClinVar:

ClinVar aggregate classification (germline): Uncertain significance (1 of 4 stars; one submission).

Conditions:
Joubert syndrome 21 (JBTS21). Identifiers: MedGen C3810212, MONDO:0014288, OMIM 615636.

Submission:

Labcorp Genetics (formerly Invitae), Labcorp
Classification: Uncertain significance for Joubert syndrome 21. Last evaluated: 2022-02-04. Review status: criteria provided, single submitter. Criteria: Invitae Variant Classification Sherloc (09022015). Collection method: clinical testing. Allele origin: germline.
Comment: This variant has not been reported in the literature in individuals affected with CSPP1-related conditions. In summary, the available evidence is currently insufficient to determine the role of this variant in disease. Therefore, it has been classified as a Variant of Uncertain Significance. Experimental studies and prediction algorithms are not available or were not evaluated, and the functional significance of this variant is currently unknown. This variant results in a copy number gain of the genomic region encompassing exon(s) 7 of the CSPP1 gene. While the exact position of this variant cannot be determined from the data, sub-genic copy number gains are generally in tandem (PMID: 25640679). This variant is predicted to be in-frame, and likely preserves the integrity of the reading frame.

Literature cited by the submitters: PubMed 25640679.

NC_000008.10:g.(?_68015252)_(68015390_?)dup

Gene: CSPP1 (centrosome and spindle pole associated protein 1; plus strand). Cytogenetic location: 8q13.2.
Variant type: Duplication.
Identifiers: ClinVar variation 2426890 (VCV002426890.4).